The following is an entry in ClinVar:

ClinVar aggregate classification (germline): Likely benign. Review status: criteria provided, multiple submitters, no conflicts (2 of 4 stars). 5 submissions from 5 submitters: Likely benign (4). 1 of the submissions does not count toward it. Last evaluated 2025-03-10.

Conditions:
SLC35A2-related disorder. Also called: SLC35A2-related condition.
SLC35A2-congenital disorder of glycosylation. Also called: CONGENITAL DISORDER OF GLYCOSYLATION, TYPE IIm; CDG IIm; CONGENITAL DISORDER OF GLYCOSYLATION, TYPE IIm, SOMATIC MOSAIC; SLC35A2-CDG; EPILEPTIC ENCEPHALOPATHY, EARLY INFANTILE, 22; DEVELOPMENTAL AND EPILEPTIC ENCEPHALOPATHY 22. Identifiers: Orphanet 356961, MedGen C3806688, MONDO:0010478, OMIM 300896.
Inborn genetic diseases. Identifiers: MedGen C0950123, MeSH D030342.

Allele frequency attached by ClinVar (database versions not stated): gnomAD exomes 0.00001 and 0.00006; TOPMed 0.00002.
gnomAD v4.1: 64 of 1,209,726 alleles (0.0053%); highest among the groups gnomAD compares: Non-Finnish European, 0.0068%; no homozygotes.

Submissions (5):

Labcorp Genetics (formerly Invitae), Labcorp
Classification: Likely benign for SLC35A2-congenital disorder of glycosylation. Last evaluated: 2025-03-10. Review status: criteria provided, single submitter. Criteria: Invitae Variant Classification Sherloc (09022015). Collection method: clinical testing. Allele origin: germline.

CeGaT Center for Human Genetics Tuebingen
Classification: Likely benign. Last evaluated: 2024-04-01. Review status: criteria provided, single submitter. Criteria: CeGaT Center For Human Genetics Tuebingen Variant Classification Criteria Version 2. Collection method: clinical testing. Allele origin: germline. Affected: yes. Observed: 1 variant allele.
Comment: SLC35A2: BP4, BP7

Blueprint Genetics
Classification: Likely benign. Last evaluated: 2022-08-22. Review status: criteria provided, single submitter. Criteria: ACMG Guidelines, 2015. Collection method: clinical testing. Allele origin: germline.

Ambry Genetics
Classification: Likely benign for Inborn genetic diseases. Last evaluated: 2017-11-13. Review status: criteria provided, single submitter. Criteria: Ambry Variant Classification Scheme 2023. Collection method: clinical testing. Allele origin: germline.

PreventionGenetics, part of Exact Sciences
Classification: Likely benign for SLC35A2-related condition. Last evaluated: 2024-06-06. Review status: no assertion criteria provided. Collection method: clinical testing. Allele origin: germline. Not counted in ClinVar's aggregate classification.
Comment: This variant is classified as likely benign based on ACMG/AMP sequence variant interpretation guidelines (Richards et al. 2015 PMID: 25741868, with internal and published modifications).

NM_005660.3(SLC35A2):c.723C>T (p.Phe241=)

Gene: SLC35A2 (solute carrier family 35 member A2; minus strand). Cytogenetic location: Xp11.23.
Variant type: single nucleotide variant.
Coding change: c.723C>T on transcript NM_005660.3 (MANE Select); coding-DNA position 723, C replaced by T.
Protein change: p.Phe241=; no amino-acid change (phenylalanine 241 retained).
Molecular consequence: synonymous variant. On other transcripts: intron variant (3).
Genome position (GRCh38, 1-based): chrX:48,905,186, G>A on the plus strand (C>T on the coding strand, the complement: SLC35A2 is on the minus strand). VCF-style: chrX-48905186-G-A. GRCh37 (hg19) VCF-style: chrX-48762463-G-A.
Other names: c.723C>T, p.Phe241= (NM_001042498.3); c.540C>T, p.Phe180= (NM_001282649.2); c.762C>T, p.Phe254= (NM_001282650.2); c.807C>T, p.Phe269= (NM_001282651.2); c.427-294C>T (NM_001282647.2, NM_001032289.3); c.355-294C>T (NM_001282648.2).
Identifiers: ClinVar variation 1590785 (VCV001590785.31), dbSNP rs781951327, ClinGen allele CA329098890.